The following is an entry in ClinVar:

ClinVar aggregate classification (germline): Pathogenic. Review status: reviewed by expert panel (3 of 4 stars). 6 submissions from 6 submitters: Pathogenic (1). 5 of the submissions do not count toward it. Last evaluated 2016-10-18.

Conditions:
Hereditary cancer-predisposing syndrome. Also called: Tumor predisposition; Neoplastic Syndromes, Hereditary; Hereditary neoplastic syndrome; Hereditary Cancer Syndrome. Identifiers: Orphanet 140162, MedGen C0027672, MeSH D009386, MONDO:0015356.
Hereditary breast ovarian cancer syndrome. Also called: Hereditary breast and ovarian cancer; Hereditary breast and ovarian cancer syndrome (HBOC); Hereditary breast and/or ovarian cancer syndrome; Breast and ovarian cancer; Hereditary breast and ovarian cancer syndrome; BRCA1- and BRCA2-Associated Hereditary Breast and Ovarian Cancer. Identifiers: Orphanet 145, MedGen C0677776, MeSH D061325, MONDO:0003582. Disease mechanism: loss of function.
Familial cancer of breast. Also called: Hereditary breast cancer; BREAST CANCER, FAMILIAL; hereditary breast carcinoma. Identifiers: Orphanet 227535, MedGen C0346153, MONDO:0016419, OMIM 114480. Disease mechanism: loss of function.
Breast-ovarian cancer, familial, susceptibility to, 2 (BROVCA2). Also called: BRCA2 Hereditary Breast and Ovarian Cancer. Identifiers: Orphanet 145, MedGen C2675520, MONDO:0012933, OMIM 612555. Disease mechanism: loss of function.

Submissions (6):

Evidence-based Network for the Interpretation of Germline Mutant Alleles (ENIGMA)
Classification: Pathogenic for Breast-ovarian cancer, familial, susceptibility to, 2. Last evaluated: 2016-10-18. Review status: reviewed by expert panel. Criteria: ENIGMA BRCA1/2 Classification Criteria (2015). Collection method: curation. Allele origin: germline.
Comment: Variant allele predicted to encode a truncated non-functional protein.

Labcorp Genetics (formerly Invitae), Labcorp
Classification: Pathogenic for Hereditary breast ovarian cancer syndrome. Last evaluated: 2025-02-15. Review status: criteria provided, single submitter. Criteria: Invitae Variant Classification Sherloc (09022015). Collection method: clinical testing. Allele origin: germline. Not counted in ClinVar's aggregate classification.
Comment: This sequence change creates a premature translational stop signal (p.Asn588Valfs*7) in the BRCA2 gene. It is expected to result in an absent or disrupted protein product. Loss-of-function variants in BRCA2 are known to be pathogenic (PMID: 20104584). This variant is not present in population databases (gnomAD no frequency). This variant has not been reported in the literature in individuals affected with BRCA2-related conditions. ClinVar contains an entry for this variant (Variation ID: 266657). For these reasons, this variant has been classified as Pathogenic.

Women's Health and Genetics/Laboratory Corporation of America, LabCorp
Classification: Pathogenic for Hereditary breast and ovarian cancer syndrome. Last evaluated: 2020-12-13. Review status: criteria provided, single submitter. Criteria: LabCorp Variant Classification Summary - May 2015. Collection method: clinical testing. Allele origin: germline. Not counted in ClinVar's aggregate classification.
Comment: Variant summary: BRCA2 c.1762_1766delAATAA (p.Asn588ValfsX7) results in a premature termination codon, predicted to cause a truncation of the encoded protein or absence of the protein due to nonsense mediated decay, which are commonly known mechanisms for disease. Truncations downstream of this position have been classified as pathogenic by our laboratory. The variant was absent in 249630 control chromosomes. c.1762_1766delAATAA has been reported in the literature in individuals affected with Hereditary Breast And Ovarian Cancer Syndrome (example, Rebbeck_2018). To our knowledge, no experimental evidence demonstrating an impact on protein function has been reported. Two clinical diagnostic laboratories, one consortium (CIMBA) and one expert panel (ENIGMA) have submitted clinical-significance assessments for this variant to ClinVar after 2014 without evidence for independent evaluation. All submitters classified the variant as pathogenic. Based on the evidence outlined above, the variant was classified as pathogenic.

Ambry Genetics
Classification: Pathogenic for Hereditary cancer-predisposing syndrome. Last evaluated: 2018-03-23. Review status: criteria provided, single submitter. Criteria: Ambry Variant Classification Scheme 2023. Collection method: clinical testing. Allele origin: germline. Not counted in ClinVar's aggregate classification.
Comment: The c.1762_1766delAATAA pathogenic mutation, located in coding exon 9 of the BRCA2 gene, results from a deletion of 5 nucleotides at nucleotide positions 1762 to 1766, causing a translational frameshift with a predicted alternate stop codon (p.N588Vfs*7). This alteration is expected to result in loss of function by premature protein truncation or nonsense-mediated mRNA decay. As such, this alteration is interpreted as a disease-causing mutation.

Consortium of Investigators of Modifiers of BRCA1/2 (CIMBA), c/o University of Cambridge
Classification: Pathogenic for Breast-ovarian cancer, familial, susceptibility to, 2. Last evaluated: 2015-10-02. Review status: criteria provided, single submitter. Criteria: CIMBA Mutation Classification guidelines May 2016. Collection method: clinical testing. Allele origin: germline. Not counted in ClinVar's aggregate classification.

Diagnostics Centre, Carl Von Ossietzky University Oldenburg
Classification: Pathogenic for Familial cancer of breast. Last evaluated: 2023-07-28. Review status: no assertion criteria provided. Collection method: clinical testing. Allele origin: germline. Affected: yes. Observed: 2 variant alleles. Not counted in ClinVar's aggregate classification.
Comment: The variant BRCA2:c.1762_1766del, p.(Asn588Valfs*7), which is located in the coding exon 10 of the BRCA2 gene, results from a deletion of 5 residues at nucleotide position c.1762-1766. The variant causes a frameshift that results in the replace of an asparagine residue by a valine at protein position 588, followed by a premature translation stop codon after seven amino acids. The variant affects and exon (10/27) that is present in biologically relevant transcripts and it is predicted to cause protein truncation/absent due to non-sense mediated decay in a gene where loss of function is a known mechanism of disease. The variant is classified as very rare in the overall population (no carriers in gnomAD, v4.1.0). The variant has already been described as Pathogenic in three independent families (PMID: 29446198), and has been classified as Pathogenic in five entries in ClinVar (ClinVar ID 266657). In addition, the variant has been classified as Pathogenic by a panel of experts (ENIGMA Consortium). In summary, this variant is classified as Pathogenic.

Literature cited by the submitters: PubMed 20104584 (cited by Labcorp Genetics (formerly Invitae), Labcorp); PubMed 29446198 (cited by Women's Health and Genetics/Laboratory Corporation of America, LabCorp and Diagnostics Centre, Carl Von Ossietzky University Oldenburg).

NM_000059.4(BRCA2):c.1762_1766del (p.Asn588fs)

Gene: BRCA2 (BRCA2 DNA repair associated; plus strand). Cytogenetic location: 13q13.1.
Variant type: Deletion.
Coding change: c.1762_1766del on transcript NM_000059.4 (MANE Select); coding-DNA positions 1762 to 1766, 5 bases deleted (AATAA; older notation c.1762_1766delAATAA).
Protein change: p.Asn588fs; shifts the reading frame from asparagine 588.
Molecular consequence: frameshift variant.
Genome position (GRCh38, 1-based): chr13:32,333,240-32,333,244, AATAA deleted; deleting any 5 consecutive bases within chr13:32,333,239-32,333,244 gives the same sequence; the c. name uses the placement nearest the transcript's 3' end. VCF-style (leftmost placement, unchanged base first): chr13-32333238-CAAATA-C. GRCh37 (hg19) VCF-style: chr13-32907375-CAAATA-C.
Other names: 1990_1994delAATAA; c.1762_1766delAATAA (NM_000059.3).
Identifiers: ClinVar variation 266657 (VCV000266657.16), dbSNP rs80359303, ClinGen allele CA10589116.